The following is an entry in ClinVar:

NM_181523.3(PIK3R1):c.503-86A>G

Gene: PIK3R1 (phosphoinositide-3-kinase regulatory subunit 1; plus strand). Cytogenetic location: 5q13.1.
Variant type: single nucleotide variant.
Coding change: c.503-86A>G on transcript NM_181523.3 (MANE Select); 86 bases into the intron before coding-DNA position 503, A replaced by G.
Molecular consequence: intron variant.
Genome position (GRCh38, 1-based): chr5:68,279,516, A>G. VCF-style: chr5-68279516-A-G. GRCh37 (hg19) VCF-style: chr5-67575344-A-G.
Identifiers: ClinVar variation 1241349 (VCV001241349.5), dbSNP rs16897620, ClinGen allele CA15386778.
Genomic context (GRCh38, chr5:68,279,516, plus strand): 5'-ATACTTTGTGTCTTGTATTTATCCTCATATTGCTTCCTTATTTTTTTTTTTTTTTGTCAC[A>G]TGTGAGTCAAATTGTTCAGAAAATTAGCCCAACTGATGTATTCTATAAAATAAATGTCTG-3'

ClinVar aggregate classification (germline): Benign. Review status: criteria provided, multiple submitters, no conflicts (2 of 4 stars). 3 submissions from 3 submitters: Benign (3). Last evaluated 2023-11-12.

Allele frequency attached by ClinVar (database versions not stated): 1000 Genomes Project 0.21386; 1000 Genomes Project 30x 0.20924; TOPMed 0.21817.
gnomAD v4.1: 220,414 of 961,532 alleles (23%); highest among the groups gnomAD compares: South Asian, 24%; 27,694 homozygotes.

Submissions (3):

Unidad de Genómica Garrahan, Hospital de Pediatría Garrahan
Classification: Benign. Last evaluated: 2023-11-12. Review status: criteria provided, single submitter. Criteria: ACMG Guidelines, 2015. Collection method: clinical testing. Allele origin: germline. Affected: no. Observed: 30 variant alleles.
Comment: This variant is classified as Benign based on local population frequency. This variant was detected in 31% of patients studied by a panel of primary immunodeficiencies. Number of patients: 30. Only high quality variants are reported.

GeneDx
Classification: Benign. Last evaluated: 2018-07-07. Review status: criteria provided, single submitter. Criteria: GeneDx Variant Classification Process June 2021. Collection method: clinical testing. Allele origin: germline. Affected: yes.

Breakthrough Genomics
Classification: Benign. Review status: criteria provided, single submitter. Criteria: ACMG Guidelines, 2015. Collection method: not provided. Allele origin: germline. Inheritance: Autosomal recessive inheritance. Affected: yes.